The following is an entry in ClinVar:

NM_004859.4(CLTC):c.2259C>A (p.Cys753Ter)

Gene: CLTC (clathrin heavy chain; plus strand). Cytogenetic location: 17q23.1.
Variant type: single nucleotide variant.
Coding change: c.2259C>A on transcript NM_004859.4 (MANE Select); coding-DNA position 2259, C replaced by A.
Protein change: p.Cys753Ter; replaces cysteine 753 with a stop codon.
Molecular consequence: nonsense.
Genome position (GRCh38, 1-based): chr17:59,668,907, C>A. VCF-style: chr17-59668907-C-A. GRCh37 (hg19) VCF-style: chr17-57746268-C-A.
Other names: c.2271C>A, p.Cys757Ter (NM_001288653.2); short protein forms C757*, C753*.
Identifiers: ClinVar variation 546022 (VCV000546022.2), dbSNP rs1454289985, ClinGen allele CA400413877.

ClinVar aggregate classification (germline): Pathogenic (1 of 4 stars; one submission).

Submission:

GeneDx
Classification: Pathogenic. Last evaluated: 2018-05-17. Review status: criteria provided, single submitter. Criteria: GeneDx Variant Classification (06012015). Collection method: clinical testing. Allele origin: germline. Affected: yes.
Comment: The C757X variant in the CLTC gene has not been reported previously as a pathogenic variant nor as a benign variant, to our knowledge. This variant is predicted to cause loss of normal protein function either through protein truncation or nonsense-mediated mRNA decay. The C757X variant is not observed in large population cohorts (Lek et al., 2016). We interpret C757X as a pathogenic variant.